The following is an entry in ClinVar:

ClinVar aggregate classification (germline): Uncertain significance (1 of 4 stars; one submission).

Conditions:
Cardiovascular phenotype. Identifiers: MedGen CN230736.

Submission:

Ambry Genetics
Classification: Uncertain significance for Cardiovascular phenotype. Last evaluated: 2024-05-19. Review status: criteria provided, single submitter. Criteria: Ambry Variant Classification Scheme 2023. Collection method: clinical testing. Allele origin: germline.
Comment: The p.G324V variant (also known as c.971G>T), located in coding exon 2 of the RBM20 gene, results from a G to T substitution at nucleotide position 971. The glycine at codon 324 is replaced by valine, an amino acid with dissimilar properties. This amino acid position is conserved. In addition, this alteration is predicted to be tolerated by in silico analysis. Based on the available evidence, the clinical significance of this variant remains unclear.

NM_001134363.3(RBM20):c.971G>T (p.Gly324Val)

Gene: RBM20 (RNA binding motif protein 20; plus strand). Cytogenetic location: 10q25.2.
Variant type: single nucleotide variant.
Coding change: c.971G>T on transcript NM_001134363.3 (MANE Select); coding-DNA position 971, G replaced by T.
Protein change: p.Gly324Val; replaces glycine 324 with valine.
Molecular consequence: missense variant.
Genome position (GRCh38, 1-based): chr10:110,781,580, G>T. VCF-style: chr10-110781580-G-T. GRCh37 (hg19) VCF-style: chr10-112541338-G-T.
Other names: short protein forms G324V.
Identifiers: ClinVar variation 3313233 (VCV003313233.1).